The following is an entry in ClinVar:

ClinVar aggregate classification (germline): Uncertain significance (1 of 4 stars; one submission).

Conditions:
Cardiovascular phenotype. Identifiers: MedGen CN230736.

Submission:

Ambry Genetics
Classification: Uncertain significance for Cardiovascular phenotype. Last evaluated: 2019-03-13. Review status: criteria provided, single submitter. Criteria: Ambry Variant Classification Scheme 2023. Collection method: clinical testing. Allele origin: germline.
Comment: The p.V445M variant (also known as c.1333G>A), located in coding exon 7 of the LMNA gene, results from a G to A substitution at nucleotide position 1333. The valine at codon 445 is replaced by methionine, an amino acid with highly similar properties. This amino acid position is highly conserved in available vertebrate species. In addition, this alteration is predicted to be deleterious by in silico analysis. Since supporting evidence is limited at this time, the clinical significance of this alteration remains unclear.

NM_170707.4(LMNA):c.1333G>A (p.Val445Met)

Gene: LMNA (lamin A/C; plus strand). Cytogenetic location: 1q22.
Variant type: single nucleotide variant.
Coding change: c.1333G>A on transcript NM_170707.4 (MANE Select); coding-DNA position 1333, G replaced by A.
Protein change: p.Val445Met; replaces valine 445 with methionine.
Molecular consequence: missense variant.
Genome position (GRCh38, 1-based): chr1:156,136,389, G>A. VCF-style: chr1-156136389-G-A. GRCh37 (hg19) VCF-style: chr1-156106180-G-A.
Other names: c.997G>A, p.Val333Met (NM_001257374.3, NM_001406989.1, NM_001406998.1); c.1090G>A, p.Val364Met (NM_001282624.2, NM_001406986.1, NM_001406987.1); c.1333G>A, p.Val445Met (NM_001282625.2, NM_001282626.2, NM_001406983.1 and 6 more transcripts); c.1036G>A, p.Val346Met (NM_001406988.1); c.775G>A, p.Val259Met (NM_001406990.1, NM_001406993.1, NM_001406995.1 and 4 more transcripts); c.709G>A, p.Val237Met (NM_001406994.1, NM_001406999.1, NM_001407000.1 and 1 more transcripts); short protein forms V259M, V333M, V346M, V237M, V445M, V364M.
Identifiers: ClinVar variation 1770199 (VCV001770199.2), dbSNP rs2528000187, ClinGen allele CA342822033.